The following is an entry in ClinVar:

ClinVar aggregate classification (germline): Uncertain significance. Review status: criteria provided, multiple submitters, no conflicts (2 of 4 stars). 2 submissions from 2 submitters: Uncertain significance (2). Last evaluated 2026-04-15.

Allele frequency attached by ClinVar (database versions not stated): gnomAD exomes below 0.00001; TOPMed below 0.00001; ExAC 0.00002.
gnomAD v4.1: 5 of 1,610,632 alleles (0.00031%); highest among the groups gnomAD compares: Non-Finnish European, 0.00042%; no homozygotes.

Submissions (2):

Women's Health and Genetics/Laboratory Corporation of America, LabCorp
Classification: Uncertain significance. Last evaluated: 2026-04-15. Review status: criteria provided, single submitter. Criteria: LabCorp Variant Classification Summary - May 2015. Collection method: clinical testing. Allele origin: germline.
Comment: Variant summary: DVL3 c.1524T>G (p.Asp508Glu) results in a conservative amino acid change in the encoded protein sequence. Algorithms developed to predict the effect of missense changes on protein structure and function are either unavailable or do not agree on the potential impact of this missense change. The variant allele was found at a frequency of 4e-06 in 248512 control chromosomes. The available data on variant occurrences in the general population are insufficient to allow any conclusion about variant significance. To our knowledge, no occurrence of c.1524T>G in individuals affected with DVL3-related conditions and no experimental evidence demonstrating its impact on protein function have been reported. ClinVar contains an entry for this variant (Variation ID: 1470167). Based on the evidence outlined above, the variant was classified as uncertain significance.

Labcorp Genetics (formerly Invitae), Labcorp
Classification: Uncertain significance. Last evaluated: 2022-02-12. Review status: criteria provided, single submitter. Criteria: Invitae Variant Classification Sherloc (09022015). Collection method: clinical testing. Allele origin: germline.
Comment: Algorithms developed to predict the effect of missense changes on protein structure and function are either unavailable or do not agree on the potential impact of this missense change (SIFT: "Tolerated"; PolyPhen-2: "Possibly Damaging"; Align-GVGD: "Class C0"). In summary, the available evidence is currently insufficient to determine the role of this variant in disease. Therefore, it has been classified as a Variant of Uncertain Significance. This sequence change replaces aspartic acid, which is acidic and polar, with glutamic acid, which is acidic and polar, at codon 508 of the DVL3 protein (p.Asp508Glu). This variant is present in population databases (rs765416050, gnomAD 0.002%). This variant has not been reported in the literature in individuals affected with DVL3-related conditions.

NM_004423.4(DVL3):c.1524T>G (p.Asp508Glu)

Gene: DVL3 (dishevelled segment polarity protein 3; plus strand). Cytogenetic location: 3q27.1.
Variant type: single nucleotide variant.
Coding change: c.1524T>G on transcript NM_004423.4 (MANE Select); coding-DNA position 1524, T replaced by G.
Protein change: p.Asp508Glu; replaces aspartic acid 508 with glutamic acid.
Molecular consequence: missense variant.
Genome position (GRCh38, 1-based): chr3:184,170,031, T>G. VCF-style: chr3-184170031-T-G. GRCh37 (hg19) VCF-style: chr3-183887819-T-G.
Other names: short protein forms D508E.
Identifiers: ClinVar variation 1470167 (VCV001470167.7), dbSNP rs765416050, ClinGen allele CA2727450.
Genomic context (GRCh38, chr3:184,170,031, plus strand): 5'-AAAGACCTAGCTCCATCCGGCCCTCCCCTTCACAGACATGGCCAACCTGTCTCTCCACGA[T>G]CACGATGGCTCCAGTGGCGCCTCTGACCAGGACACACTGGCCCCTTTGCCGCACCCGGGG-3'
Protein context (NP_004414.3, residues 498-518): CGNMANLSLH[Asp508Glu]HDGSSGASDQ